The following is an entry in ClinVar:

NM_000038.6(APC):c.7805A>G (p.Lys2602Arg)

Gene: APC (APC regulator of Wnt signaling pathway; plus strand). Cytogenetic location: 5q22.2.
Variant type: single nucleotide variant.
Coding change: c.7805A>G on transcript NM_000038.6 (MANE Select); coding-DNA position 7805, A replaced by G.
Protein change: p.Lys2602Arg; replaces lysine 2602 with arginine.
Molecular consequence: missense variant.
Genome position (GRCh38, 1-based): chr5:112,843,399, A>G. VCF-style: chr5-112843399-A-G. GRCh37 (hg19) VCF-style: chr5-112179096-A-G.
Other names: c.7805A>G, p.Lys2602Arg (NM_001127510.3, NM_001354895.2, NM_001407450.1); c.7751A>G, p.Lys2584Arg (NM_001127511.3); c.7859A>G, p.Lys2620Arg (NM_001354896.2, NM_001407447.1, NM_001407448.1 and 1 more transcripts); c.7835A>G, p.Lys2612Arg (NM_001354897.2); c.7730A>G, p.Lys2577Arg (NM_001354898.2); c.7721A>G, p.Lys2574Arg (NM_001354899.2); c.7682A>G, p.Lys2561Arg (NM_001354900.2); c.7628A>G, p.Lys2543Arg (NM_001354901.2, NM_001407453.1); and 11 more; short protein forms K2218R, K2319R, K2442R, K2473R, K2476R, K2501R, K2511R, K2519R.
Identifiers: ClinVar variation 1719845 (VCV001719845.6), dbSNP rs2149994161, ClinGen allele CA16038286.

ClinVar aggregate classification (germline): Uncertain significance (1 of 4 stars; one submission).

Conditions:
Familial adenomatous polyposis 1 (FAP1). Also called: FAMILIAL ADENOMATOUS POLYPOSIS 1, ATTENUATED; POLYPOSIS, ADENOMATOUS INTESTINAL. Identifiers: MedGen C2713442, MONDO:0021056, OMIM 175100. Disease mechanism: loss of function.

Submission:

Labcorp Genetics (formerly Invitae), Labcorp
Classification: Uncertain significance for Familial adenomatous polyposis 1. Last evaluated: 2022-09-20. Review status: criteria provided, single submitter. Criteria: Invitae Variant Classification Sherloc (09022015). Collection method: clinical testing. Allele origin: germline.
Comment: In summary, the available evidence is currently insufficient to determine the role of this variant in disease. Therefore, it has been classified as a Variant of Uncertain Significance. Advanced modeling of protein sequence and biophysical properties (such as structural, functional, and spatial information, amino acid conservation, physicochemical variation, residue mobility, and thermodynamic stability) performed at Invitae indicates that this missense variant is not expected to disrupt APC protein function. This variant has not been reported in the literature in individuals affected with APC-related conditions. This variant is not present in population databases (gnomAD no frequency). This sequence change replaces lysine, which is basic and polar, with arginine, which is basic and polar, at codon 2602 of the APC protein (p.Lys2602Arg).